The following is an entry in ClinVar:

NC_000015.9:g.(?_76603671)_(76603729_?)dup

Gene: ETFA (electron transfer flavoprotein subunit alpha; minus strand). Cytogenetic location: 15q24.3.
Variant type: Duplication.
Identifiers: ClinVar variation 2422391 (VCV002422391.4).

ClinVar aggregate classification (germline): Uncertain significance (1 of 4 stars; one submission).

Conditions:
Multiple acyl-CoA dehydrogenase deficiency (MADD). Also called: Glutaric aciduria, type 2; Glutaric acidemia type II; GA 2; ETHYLMALONIC-ADIPICACIDURIA; GA II; Glutaric Acidemia type 2. Identifiers: Orphanet 26791, MedGen C0268596, MONDO:0009282, OMIM 231680.

Submission:

Labcorp Genetics (formerly Invitae), Labcorp
Classification: Uncertain significance for Multiple acyl-CoA dehydrogenase deficiency. Last evaluated: 2022-08-08. Review status: criteria provided, single submitter. Criteria: Invitae Variant Classification Sherloc (09022015). Collection method: clinical testing. Allele origin: germline.
Comment: This variant results in a copy number gain of the genomic region encompassing exon(s) 1 of the ETFA gene. This region includes the initiator codon of the gene. This copy number gain extends beyond the assayed region for this gene and therefore may encompass additional genes. As the precise location of this event is unknown, it may be in tandem or it may be located elsewhere in the genome. This variant has not been reported in the literature in individuals affected with ETFA-related conditions. In summary, the available evidence is currently insufficient to determine the role of this variant in disease. Therefore, it has been classified as a Variant of Uncertain Significance.